The following is an entry in ClinVar:

ClinVar aggregate classification (germline): Uncertain significance. Review status: criteria provided, multiple submitters, no conflicts (2 of 4 stars). 5 submissions from 5 submitters: Uncertain significance (4). 1 of the submissions does not count toward it. Last evaluated 2025-10-29.

Conditions:
Hereditary cancer-predisposing syndrome. Also called: Hereditary neoplastic syndrome; Hereditary Cancer Syndrome; Neoplastic Syndromes, Hereditary; Tumor predisposition. Identifiers: Orphanet 140162, MedGen C0027672, MeSH D009386, MONDO:0015356.
Fumarase deficiency (FMRD). Also called: Fumaric aciduria; Fumarate Hydratase Deficiency. Identifiers: Orphanet 24, MedGen C0342770, MONDO:0011730, OMIM 606812.

Allele frequency attached by ClinVar (database versions not stated): TOPMed below 0.00001.
gnomAD v4.1: 1 of 1,613,448 alleles (0.000062%); highest among the groups gnomAD compares: South Asian, 0.0011%; no homozygotes.

Submissions (5):

Labcorp Genetics (formerly Invitae), Labcorp
Classification: Uncertain significance. Last evaluated: 2025-10-29. Review status: criteria provided, single submitter. Criteria: Invitae Variant Classification Sherloc (09022015). Collection method: clinical testing. Allele origin: germline.
Comment: This sequence change replaces lysine, which is basic and polar, with threonine, which is neutral and polar, at codon 223 of the FH protein (p.Lys223Thr). This variant is not present in population databases (gnomAD no frequency). This variant has not been reported in the literature in individuals affected with FH-related conditions. ClinVar contains an entry for this variant (Variation ID: 421681). Invitae Evidence Modeling of protein sequence and biophysical properties (such as structural, functional, and spatial information, amino acid conservation, physicochemical variation, residue mobility, and thermodynamic stability) indicates that this missense variant is not expected to disrupt FH protein function with a negative predictive value of 80%. In summary, the available evidence is currently insufficient to determine the role of this variant in disease. Therefore, it has been classified as a Variant of Uncertain Significance.

Ambry Genetics
Classification: Uncertain significance for Hereditary cancer-predisposing syndrome. Last evaluated: 2025-08-03. Review status: criteria provided, single submitter. Criteria: Ambry Variant Classification Scheme 2023. Collection method: clinical testing. Allele origin: germline.
Comment: The p.K223T variant (also known as c.668A>C), located in coding exon 5 of the FH gene, results from an A to C substitution at nucleotide position 668. The lysine at codon 223 is replaced by threonine, an amino acid with similar properties. This amino acid position is not well conserved in available vertebrate species. In addition, the in silico prediction for this alteration is inconclusive. Since supporting evidence is limited at this time, the clinical significance of this alteration remains unclear.

Clinical Genetics Laboratory, Skane University Hospital Lund
Classification: Uncertain significance. Last evaluated: 2023-06-15. Review status: criteria provided, single submitter. Criteria: ACMG Guidelines, 2015. Collection method: clinical testing. Allele origin: germline. Affected: yes.

GeneDx
Classification: Uncertain significance. Last evaluated: 2016-07-11. Review status: criteria provided, single submitter. Criteria: GeneDx Variant Classification (06012015). Collection method: clinical testing. Allele origin: germline. Affected: yes.
Comment: This variant is denoted FH c.668A>C at the cDNA level, p.Lys223Thr (K223T) at the protein level, and results in the change of a Lysine to a Threonine (AAA>ACA). This variant has not, to our knowledge, been published in the literature as pathogenic or benign. FH Lys223Thr was not observed in approximately 6,500 individuals of European and African American ancestry in the NHLBI Exome Sequencing Project, suggesting it is not a common benign variant in these populations. Since Lysine and Threonine differ in some properties, this is considered a semi-conservative amino acid substitution. FH Lys223Thr occurs at a position that is conserved in mammals and is not located in a known functional domain (UniProt). In silico analyses are inconsistent regarding the effect this variant may have on protein structure and function. Based on currently available evidence, it is unclear whether FH Lys223Thr is a pathogenic or benign variant. We consider it to be a variant of uncertain significance.

Natera, Inc.
Classification: Uncertain significance for Fumarase deficiency. Last evaluated: 2020-09-16. Review status: no assertion criteria provided. Collection method: clinical testing. Allele origin: germline. Not counted in ClinVar's aggregate classification.

NM_000143.4(FH):c.668A>C (p.Lys223Thr)

Gene: FH (fumarate hydratase; minus strand). Cytogenetic location: 1q43.
Variant type: single nucleotide variant.
Coding change: c.668A>C on transcript NM_000143.4 (MANE Select); coding-DNA position 668, A replaced by C.
Protein change: p.Lys223Thr; replaces lysine 223 with threonine.
Molecular consequence: missense variant.
Genome position (GRCh38, 1-based): chr1:241,508,673, T>G on the plus strand (A>C on the coding strand, the complement: FH is on the minus strand). VCF-style: chr1-241508673-T-G. GRCh37 (hg19) VCF-style: chr1-241671973-T-G.
Other names: short protein forms K223T.
Identifiers: ClinVar variation 421681 (VCV000421681.20), dbSNP rs1064795294, ClinGen allele CA16617117.